The following is an entry in ClinVar:

NM_022041.4(GAN):c.1665C>G (p.His555Gln)

Gene: GAN (gigaxonin; plus strand). Cytogenetic location: 16q23.2.
Variant type: single nucleotide variant.
Coding change: c.1665C>G on transcript NM_022041.4 (MANE Select); coding-DNA position 1665, C replaced by G.
Protein change: p.His555Gln; replaces histidine 555 with glutamine.
Molecular consequence: missense variant.
Genome position (GRCh38, 1-based): chr16:81,377,467, C>G. VCF-style: chr16-81377467-C-G. GRCh37 (hg19) VCF-style: chr16-81411072-C-G.
Other names: c.1026C>G, p.His342Gln (NM_001377486.1); short protein forms H555Q, H342Q.
Identifiers: ClinVar variation 320659 (VCV000320659.7), dbSNP rs886052334, ClinGen allele CA10648111.

ClinVar aggregate classification (germline): Uncertain significance (1 of 4 stars; one submission).

Conditions:
Inborn genetic diseases. Identifiers: MedGen C0950123, MeSH D030342.

Allele frequency attached by ClinVar (database versions not stated): gnomAD exomes below 0.00001.
gnomAD v4.1: 2 of 1,614,098 alleles (0.00012%); highest among the groups gnomAD compares: Admixed American, 0.0017%; no homozygotes.

Submission:

Ambry Genetics
Classification: Uncertain significance for Inborn genetic diseases. Last evaluated: 2022-01-27. Review status: criteria provided, single submitter. Criteria: Ambry Variant Classification Scheme 2023. Collection method: clinical testing. Allele origin: germline.
Comment: The p.H555Q variant (also known as c.1665C>G), located in coding exon 11 of the GAN gene, results from a C to G substitution at nucleotide position 1665. The histidine at codon 555 is replaced by glutamine, an amino acid with highly similar properties. This amino acid position is well conserved in available vertebrate species; however, glutamine is the reference amino acid in other vertebrate species. In addition, this alteration is predicted to be tolerated by in silico analysis. Since supporting evidence is limited at this time, the clinical significance of this alteration remains unclear.